The following is an entry in ClinVar:

NM_000929.3(PLA2G5):c.41G>C (p.Ser14Thr)

Gene: PLA2G5 (phospholipase A2 group V; plus strand). Cytogenetic location: 1p36.13.
Variant type: single nucleotide variant.
Coding change: c.41G>C on transcript NM_000929.3 (MANE Select); coding-DNA position 41, G replaced by C.
Protein change: p.Ser14Thr; replaces serine 14 with threonine.
Molecular consequence: missense variant.
Genome position (GRCh38, 1-based): chr1:20,086,083, G>C. VCF-style: chr1-20086083-G-C. GRCh37 (hg19) VCF-style: chr1-20412576-G-C.
Other names: short protein forms S14T.
Identifiers: ClinVar variation 857967 (VCV000857967.10), dbSNP rs2016272356, ClinGen allele CA338819332.

ClinVar aggregate classification (germline): Uncertain significance (1 of 4 stars; one submission).

Submission:

Labcorp Genetics (formerly Invitae), Labcorp
Classification: Uncertain significance. Last evaluated: 2025-01-15. Review status: criteria provided, single submitter. Criteria: Invitae Variant Classification Sherloc (09022015). Collection method: clinical testing. Allele origin: germline.
Comment: This sequence change replaces serine, which is neutral and polar, with threonine, which is neutral and polar, at codon 14 of the PLA2G5 protein (p.Ser14Thr). This variant is not present in population databases (gnomAD no frequency). This variant has not been reported in the literature in individuals affected with PLA2G5-related conditions. ClinVar contains an entry for this variant (Variation ID: 857967). An algorithm developed to predict the effect of missense changes on protein structure and function (PolyPhen-2) suggests that this variant is likely to be tolerated. In summary, the available evidence is currently insufficient to determine the role of this variant in disease. Therefore, it has been classified as a Variant of Uncertain Significance.